The following is an entry in ClinVar:

NM_000046.5(ARSB):c.176A>G (p.Asp59Gly)

Genes: ARSB (arylsulfatase B; minus strand), LOC129994126 (ATAC-STARR-seq lymphoblastoid silent region 16127; plus strand). Cytogenetic location: 5q14.1.
Variant type: single nucleotide variant.
Coding change: c.176A>G on transcript NM_000046.5 (MANE Select); coding-DNA position 176, A replaced by G.
Protein change: p.Asp59Gly; replaces aspartic acid 59 with glycine.
Molecular consequence: missense variant.
Genome position (GRCh38, 1-based): chr5:78,985,073, T>C on the plus strand (A>G on the coding strand, the complement: ARSB is on the minus strand). VCF-style: chr5-78985073-T-C. GRCh37 (hg19) VCF-style: chr5-78280896-T-C.
Other names: c.176A>G (NM_000046.3); c.176A>G, p.Asp59Gly (NM_198709.3); short protein forms D59G.
Identifiers: ClinVar variation 1396069 (VCV001396069.11), dbSNP rs1179935748, ClinGen allele CA360196853.

ClinVar aggregate classification (germline): Uncertain significance. Review status: criteria provided, multiple submitters, no conflicts (2 of 4 stars). 3 submissions from 3 submitters: Uncertain significance (3). Last evaluated 2025-09-24.

Conditions:
Inborn genetic diseases. Identifiers: MedGen C0950123, MeSH D030342.
Mucopolysaccharidosis type 6 (MPS6). Also called: MPS 6; Maroteaux Lamy syndrome; MPS VI; ARSB DEFICIENCY; ARYLSULFATASE B DEFICIENCY; N-ACETYLGALACTOSAMINE-4-SULFATASE DEFICIENCY. Identifiers: Orphanet 583, MedGen C0026709, MONDO:0009661, OMIM 253200.

Allele frequency attached by ClinVar (database versions not stated): TOPMed below 0.00001; gnomAD exomes 0.00001 and 0.00002.
gnomAD v4.1: 5 of 1,543,952 alleles (0.00032%); highest among the groups gnomAD compares: Admixed American, 0.0077%; no homozygotes.

Submissions (3):

Ambry Genetics
Classification: Uncertain significance for Inborn genetic diseases. Last evaluated: 2025-09-24. Review status: criteria provided, single submitter. Criteria: Ambry Variant Classification Scheme 2023. Collection method: clinical testing. Allele origin: germline.

Labcorp Genetics (formerly Invitae), Labcorp
Classification: Uncertain significance for Mucopolysaccharidosis type 6. Last evaluated: 2021-05-18. Review status: criteria provided, single submitter. Criteria: Invitae Variant Classification Sherloc (09022015). Collection method: clinical testing. Allele origin: germline.
Comment: This variant has not been reported in the literature in individuals with ARSB-related conditions. This variant is not present in population databases (ExAC no frequency). This sequence change replaces aspartic acid with glycine at codon 59 of the ARSB protein (p.Asp59Gly). The aspartic acid residue is highly conserved and there is a moderate physicochemical difference between aspartic acid and glycine. Advanced modeling of protein sequence and biophysical properties (such as structural, functional, and spatial information, amino acid conservation, physicochemical variation, residue mobility, and thermodynamic stability) performed at Invitae indicates that this missense variant is expected to disrupt ARSB protein function. In summary, the available evidence is currently insufficient to determine the role of this variant in disease. Therefore, it has been classified as a Variant of Uncertain Significance.

Revvity Omics, Revvity
Classification: Uncertain significance for Mucopolysaccharidosis type 6. Last evaluated: 2020-11-23. Review status: criteria provided, single submitter. Criteria: ACMG Guidelines, 2015. Collection method: clinical testing. Allele origin: germline.